The following is an entry in ClinVar:

NM_001205293.3(CACNA1E):c.1800G>T (p.Met600Ile)

Gene: CACNA1E (calcium voltage-gated channel subunit alpha1 E; plus strand). Cytogenetic location: 1q25.3.
Variant type: single nucleotide variant.
Coding change: c.1800G>T on transcript NM_001205293.3 (MANE Select); coding-DNA position 1800, G replaced by T.
Protein change: p.Met600Ile; replaces methionine 600 with isoleucine.
Molecular consequence: missense variant.
Genome position (GRCh38, 1-based): chr1:181,720,254, G>T. VCF-style: chr1-181720254-G-T. GRCh37 (hg19) VCF-style: chr1-181689390-G-T.
Other names: c.1800G>T, p.Met600Ile (NM_000721.4, NM_001205294.2); short protein forms M600I.
Identifiers: ClinVar variation 4799986 (VCV004799986.1).
Genomic context (GRCh38, chr1:181,720,254, plus strand): 5'-TGGGTTTTGTAGGTATTGGGCTTCCCTACGGAATTTGGTGGTCTCCTTGATGAGCTCAAT[G>T]AAGTCTATCATCAGTTTGCTTTTCCTCCTCTTCCTCTTCATCGTTGTCTTTGCTCTCCTA-3'
Protein context (NP_001192222.1, residues 590-610): RNLVVSLMSS[Met600Ile]KSIISLLFLL

ClinVar aggregate classification (germline): Uncertain significance (1 of 4 stars; one submission).

Submission:

Labcorp Genetics (formerly Invitae), Labcorp
Classification: Uncertain significance. Last evaluated: 2025-09-27. Review status: criteria provided, single submitter. Criteria: Invitae Variant Classification Sherloc (09022015). Collection method: clinical testing. Allele origin: germline.
Comment: This sequence change replaces methionine, which is neutral and non-polar, with isoleucine, which is neutral and non-polar, at codon 600 of the CACNA1E protein (p.Met600Ile). This variant is not present in population databases (gnomAD no frequency). This variant has not been reported in the literature in individuals affected with CACNA1E-related conditions. Invitae Evidence Modeling of protein sequence and biophysical properties (such as structural, functional, and spatial information, amino acid conservation, physicochemical variation, residue mobility, and thermodynamic stability) has been performed for this missense variant. However, the output from this modeling did not meet the statistical confidence thresholds required to predict the impact of this variant on CACNA1E protein function. In summary, the available evidence is currently insufficient to determine the role of this variant in disease. Therefore, it has been classified as a Variant of Uncertain Significance.